The following is an entry in ClinVar:

ClinVar aggregate classification (germline): Uncertain significance. Review status: criteria provided, multiple submitters, no conflicts (2 of 4 stars). 2 submissions from 2 submitters: Uncertain significance (2). Last evaluated 2026-03-28.

Conditions:
Dyskeratosis congenita, autosomal dominant 2. Identifiers: MedGen C3151443, MONDO:0013521, OMIM 613989.
Idiopathic Pulmonary Fibrosis. Also called: Idiopathic fibrosing alveolitis, chronic form; idiopathic fibrosing alveolitis. Identifiers: Orphanet 2032, MedGen C1800706, MeSH D054990, MONDO:0800504.
Dyskeratosis congenita. Identifiers: Orphanet 1775, MedGen C0265965, MONDO:0015780.

Submissions (2):

Ambry Genetics
Classification: Uncertain significance for Dyskeratosis congenita. Last evaluated: 2026-03-28. Review status: criteria provided, single submitter. Criteria: Ambry Variant Classification Scheme 2023. Collection method: clinical testing. Allele origin: germline.
Comment: The p.A68T variant (also known as c.202G>A), located in coding exon 1 of the TERT gene, results from a G to A substitution at nucleotide position 202. The alanine at codon 68 is replaced by threonine, an amino acid with similar properties. This amino acid position is conserved. In addition, this alteration is predicted to be tolerated by in silico analysis. Based on the available evidence, the clinical significance of this variant remains unclear.

Labcorp Genetics (formerly Invitae), Labcorp
Classification: Uncertain significance for Dyskeratosis congenita, autosomal dominant 2; Idiopathic Pulmonary Fibrosis. Last evaluated: 2023-10-05. Review status: criteria provided, single submitter. Criteria: Invitae Variant Classification Sherloc (09022015). Collection method: clinical testing. Allele origin: germline.
Comment: This sequence change replaces alanine, which is neutral and non-polar, with threonine, which is neutral and polar, at codon 68 of the TERT protein (p.Ala68Thr). This variant is not present in population databases (gnomAD no frequency). This variant has not been reported in the literature in individuals affected with TERT-related conditions. Algorithms developed to predict the effect of missense changes on protein structure and function output the following: SIFT: "Not Available"; PolyPhen-2: "Benign"; Align-GVGD: "Not Available". The threonine amino acid residue is found in multiple mammalian species, which suggests that this missense change does not adversely affect protein function. In summary, the available evidence is currently insufficient to determine the role of this variant in disease. Therefore, it has been classified as a Variant of Uncertain Significance.

NM_198253.3(TERT):c.202G>A (p.Ala68Thr)

Genes: TERT (telomerase reverse transcriptase; minus strand), LOC110806263 (TERT 5' regulatory region; plus strand). Cytogenetic location: 5p15.33.
Variant type: single nucleotide variant.
Coding change: c.202G>A on transcript NM_198253.3 (MANE Select); coding-DNA position 202, G replaced by A.
Protein change: p.Ala68Thr; replaces alanine 68 with threonine.
Molecular consequence: missense variant. On other transcripts: non-coding transcript variant (2).
Genome position (GRCh38, 1-based): chr5:1,294,788, C>T on the plus strand (G>A on the coding strand, the complement: TERT is on the minus strand). VCF-style: chr5-1294788-C-T. GRCh37 (hg19) VCF-style: chr5-1294903-C-T.
Other names: c.202G>A, p.Ala68Thr (NM_001193376.3, NM_003219.1); short protein forms A68T.
Identifiers: ClinVar variation 2938523 (VCV002938523.4), dbSNP rs1038954321, ClinGen allele CA359058820.